The following is an entry in ClinVar:

ClinVar aggregate classification (germline): Uncertain significance (1 of 4 stars; one submission).

Conditions:
Atransferrinemia. Also called: Familial hypotransferrinemia. Identifiers: Orphanet 1195, MedGen C0521802, MONDO:0008846, OMIM 209300, HP:0012239.

Submission:

Myriad Genetics, Inc.
Classification: Uncertain significance for Atransferrinemia. Last evaluated: 2025-12-29. Review status: criteria provided, single submitter. Criteria: Myriad Autosomal Dominant, Autosomal Recessive and X-Linked Classification Criteria (2023). Collection method: clinical testing. Allele origin: unknown.
Comment: NM_001063.3(TF):c.1889A>C(N630T) is a missense variant classified as a variant of uncertain significance in the context of atransferrinemia. N630T has not been observed in cases with relevant disease. Relevant functional assessments of this variant are not available in the literature. N630T has not been observed in referenced population frequency databases. In summary, there is insufficient evidence to classify NM_001063.3(TF):c.1889A>C(N630T) as pathogenic or benign. Please note: this variant was assessed in the context of healthy population screening.

NM_001063.4(TF):c.1889A>C (p.Asn630Thr)

Gene: TF (transferrin; plus strand). Cytogenetic location: 3q22.1.
Variant type: single nucleotide variant.
Coding change: c.1889A>C on transcript NM_001063.4 (MANE Select); coding-DNA position 1889, A replaced by C.
Protein change: p.Asn630Thr; replaces asparagine 630 with threonine.
Molecular consequence: missense variant.
Genome position (GRCh38, 1-based): chr3:133,777,065, A>C. VCF-style: chr3-133777065-A-C. GRCh37 (hg19) VCF-style: chr3-133495909-A-C.
Other names: c.1757A>C, p.Asn586Thr (NM_001354703.2); c.1508A>C, p.Asn503Thr (NM_001354704.2); short protein forms N630T, N503T, N586T.
Identifiers: ClinVar variation 5004351 (VCV005004351.1).